The following is an entry in ClinVar:

NM_000051.4(ATM):c.68G>C (p.Arg23Pro)

Gene: ATM (ATM serine/threonine kinase; plus strand). Cytogenetic location: 11q22.3.
Variant type: single nucleotide variant.
Coding change: c.68G>C on transcript NM_000051.4 (MANE Select); coding-DNA position 68, G replaced by C.
Protein change: p.Arg23Pro; replaces arginine 23 with proline.
Molecular consequence: missense variant.
Genome position (GRCh38, 1-based): chr11:108,227,692, G>C. VCF-style: chr11-108227692-G-C. GRCh37 (hg19) VCF-style: chr11-108098419-G-C.
Other names: c.68G>C, p.Arg23Pro (NM_001351834.2, NM_001351835.2, NM_001351836.2); short protein forms R23P.
Identifiers: ClinVar variation 855706 (VCV000855706.11), dbSNP rs587779858, ClinGen allele CA382519363.
Genomic context (GRCh38, chr11:108,227,692, plus strand): 5'-TAGTACTTAATGATCTGCTTATCTGCTGCCGTCAACTAGAACATGATAGAGCTACAGAAC[G>C]AAAGGTAGTAAATTACTTAAATTCAATTTTTCCTTGAAATAAGTGTGATTAGTAACCCAT-3'
Protein context (NP_000042.3, residues 13-33): RQLEHDRATE[Arg23Pro]KKEVEKFKRL

ClinVar aggregate classification (germline): Uncertain significance. Review status: criteria provided, multiple submitters, no conflicts (2 of 4 stars). 2 submissions from 2 submitters: Uncertain significance (2). Last evaluated 2025-02-10.

Conditions:
Hereditary cancer-predisposing syndrome. Also called: Hereditary neoplastic syndrome; Tumor predisposition; Neoplastic Syndromes, Hereditary; Hereditary Cancer Syndrome. Identifiers: Orphanet 140162, MedGen C0027672, MeSH D009386, MONDO:0015356.
Ataxia-telangiectasia syndrome (AT). Also called: Ataxia telangiectasia (A-T); Cerebello-oculocutaneous telangiectasia; Immunodeficiency with ataxia telangiectasia; AT, COMPLEMENTATION GROUP C; ATAXIA-TELANGIECTASIA, COMPLEMENTATION GROUP A; ATAXIA-TELANGIECTASIA, FRESNO VARIANT. Identifiers: Orphanet 100, MedGen C0004135, MONDO:0008840, OMIM 208900.

Submissions (2):

Labcorp Genetics (formerly Invitae), Labcorp
Classification: Uncertain significance for Ataxia-telangiectasia syndrome. Last evaluated: 2025-02-10. Review status: criteria provided, single submitter. Criteria: Invitae Variant Classification Sherloc (09022015). Collection method: clinical testing. Allele origin: germline.
Comment: This sequence change replaces arginine, which is basic and polar, with proline, which is neutral and non-polar, at codon 23 of the ATM protein (p.Arg23Pro). This variant is not present in population databases (gnomAD no frequency). This variant has not been reported in the literature in individuals affected with ATM-related conditions. ClinVar contains an entry for this variant (Variation ID: 855706). Invitae Evidence Modeling of protein sequence and biophysical properties (such as structural, functional, and spatial information, amino acid conservation, physicochemical variation, residue mobility, and thermodynamic stability) has been performed for this missense variant. However, the output from this modeling did not meet the statistical confidence thresholds required to predict the impact of this variant on ATM protein function. In summary, the available evidence is currently insufficient to determine the role of this variant in disease. Therefore, it has been classified as a Variant of Uncertain Significance.

Color Diagnostics, LLC DBA Color Health
Classification: Uncertain significance for Hereditary cancer-predisposing syndrome. Last evaluated: 2019-01-29. Review status: criteria provided, single submitter. Criteria: ACMG Guidelines, 2015. Collection method: clinical testing. Allele origin: germline.